The following is an entry in ClinVar:

NM_012431.3(SEMA3E):c.906T>A (p.Ile302=)

Gene: SEMA3E (semaphorin 3E; minus strand). Cytogenetic location: 7q21.11.
Variant type: single nucleotide variant.
Coding change: c.906T>A on transcript NM_012431.3 (MANE Select); coding-DNA position 906, T replaced by A.
Protein change: p.Ile302=; no amino-acid change (isoleucine 302 retained).
Molecular consequence: synonymous variant.
Genome position (GRCh38, 1-based): chr7:83,405,967, A>T on the plus strand (T>A on the coding strand, the complement: SEMA3E is on the minus strand). VCF-style: chr7-83405967-A-T. GRCh37 (hg19) VCF-style: chr7-83035283-A-T.
Other names: c.726T>A, p.Ile242= (NM_001178129.2).
Identifiers: ClinVar variation 4999307 (VCV004999307.1).
Genomic context (GRCh38, chr7:83,405,967, plus strand): 5'-CATAAAAGAGCAAATTTAATTCACCTAAAAACATTTACCTAATTCATCAAAATATGTGTC[A>T]ATTCCATTCATTCCTGGTACTGAGCAAACGAGTCTCGCTTTTAGGAAAGTGCTCCACTTA-3'
Protein context (NP_036563.1, residues 292-312): LVCSVPGMNG[Ile302=]DTYFDELEDV

ClinVar aggregate classification (germline): Likely benign (1 of 4 stars; one submission).

Conditions:
SEMA3E-related disorder. Also called: SEMA3E-related condition.

gnomAD v4.1: 2 of 1,612,612 alleles (0.00012%); highest among the groups gnomAD compares: African/African-American, 0.0027%; no homozygotes.

Submission:

PreventionGenetics, part of Exact Sciences
Classification: Likely benign for SEMA3E-related condition. Last evaluated: 2024-12-17. Review status: criteria provided, single submitter. Criteria: ACMG Guidelines, 2015. Collection method: clinical testing. Allele origin: germline.
Comment: This variant is classified as likely benign based on ACMG/AMP sequence variant interpretation guidelines (Richards et al. 2015 PMID: 25741868, with internal and published modifications).